The following is an entry in ClinVar:

ClinVar aggregate classification (germline): Pathogenic/Likely pathogenic. Review status: criteria provided, multiple submitters, no conflicts (2 of 4 stars). 3 submissions from 3 submitters: Pathogenic (2); Likely pathogenic (1). Last evaluated 2024-03-21.

Conditions:
Anemia, nonspherocytic hemolytic, due to G6PD deficiency (CNSHA1). Also called: Hemolytic anemia due to G6PD deficiency; Class I glucose-6-phosphate dehydrogenase deficiency; Favism, susceptibility to; ANEMIA, CONGENITAL, NONSPHEROCYTIC HEMOLYTIC, 1. Identifiers: Orphanet 466026, MedGen C2720289, MONDO:0010480, OMIM 300908.
Malaria, susceptibility to. Identifiers: Orphanet 673, MedGen C1970028, MONDO:0021024, OMIM 611162.

Allele frequency attached by ClinVar (database versions not stated): gnomAD exomes below 0.00001.

Submissions (3):

Labcorp Genetics (formerly Invitae), Labcorp
Classification: Pathogenic for Anemia, nonspherocytic hemolytic, due to G6PD deficiency. Last evaluated: 2024-03-21. Review status: criteria provided, single submitter. Criteria: Invitae Variant Classification Sherloc (09022015). Collection method: clinical testing. Allele origin: germline.
Comment: This sequence change replaces arginine, which is basic and polar, with cysteine, which is neutral and slightly polar, at codon 463 of the G6PD protein (p.Arg463Cys). The frequency data for this variant in the population databases is considered unreliable, as metrics indicate poor data quality at this position in the gnomAD database. This missense change has been observed in individuals with G6PD deficiency (PMID: 511159, 3591235, 9444913). This variant is also known as G6PD Kamiube, Keelung. ClinVar contains an entry for this variant (Variation ID: 1722638). Advanced modeling of protein sequence and biophysical properties (such as structural, functional, and spatial information, amino acid conservation, physicochemical variation, residue mobility, and thermodynamic stability) performed at Invitae indicates that this missense variant is expected to disrupt G6PD protein function with a positive predictive value of 95%. Experimental studies have shown that this missense change affects G6PD function (PMID: 9192788). This variant disrupts the p.Arg463 amino acid residue in G6PD. Other variant(s) that disrupt this residue have been determined to be pathogenic (PMID: 9589612, 15906717, 17726510, 21446359, 30315739). This suggests that this residue is clinically significant, and that variants that disrupt this residue are likely to be disease-causing. For these reasons, this variant has been classified as Pathogenic.

Baylor Genetics
Classification: Pathogenic for Malaria, susceptibility to. Last evaluated: 2024-02-25. Review status: criteria provided, single submitter. Criteria: ACMG Guidelines, 2015. Collection method: clinical testing. Allele origin: unknown.

Dunham Lab, University of Washington
Classification: Likely pathogenic for Anemia, nonspherocytic hemolytic, due to G6PD deficiency. Last evaluated: 2022-08-12. Review status: criteria provided, single submitter. Criteria: Bayesian ACMG Guidelines, 2018. Collection method: curation. Allele origin: unknown. Affected: yes.
Comment: Variant found in hemizygotes with G6PD deficiency (PP4). Decreased actvity in red blood cells (25-59%) (PS3). Affects same residue as pathogenic variant (ClinVar ID 100059) (PM5). Below expected carrier frequency in gnomAD (PM2). Not found in gnomAD (PM2). Post_P 0.988 (odds of pathogenicity 729.3, Prior_P 0.1).

Literature cited by the submitters: PubMed 511159 (cited by Labcorp Genetics (formerly Invitae), Labcorp and Dunham Lab, University of Washington); PubMed 3591235 (cited by Labcorp Genetics (formerly Invitae), Labcorp and Dunham Lab, University of Washington); PubMed 9444913 (cited by Labcorp Genetics (formerly Invitae), Labcorp and Dunham Lab, University of Washington); PubMed 9192788 (cited by Labcorp Genetics (formerly Invitae), Labcorp); PubMed 9589612 (cited by Labcorp Genetics (formerly Invitae), Labcorp); PubMed 15906717 (cited by Labcorp Genetics (formerly Invitae), Labcorp); PubMed 17726510 (cited by Labcorp Genetics (formerly Invitae), Labcorp); PubMed 21446359 (cited by Labcorp Genetics (formerly Invitae), Labcorp); PubMed 30315739 (cited by Labcorp Genetics (formerly Invitae), Labcorp); PubMed 7440223 (cited by Dunham Lab, University of Washington).

NM_001360016.2(G6PD):c.1387C>T (p.Arg463Cys)

Gene: G6PD (glucose-6-phosphate dehydrogenase; minus strand). Cytogenetic location: Xq28.
Variant type: single nucleotide variant.
Coding change: c.1387C>T on transcript NM_001360016.2 (MANE Select); coding-DNA position 1387, C replaced by T.
Protein change: p.Arg463Cys; replaces arginine 463 with cysteine.
Molecular consequence: missense variant.
Genome position (GRCh38, 1-based): chrX:154,532,258, G>A on the plus strand (C>T on the coding strand, the complement: G6PD is on the minus strand). VCF-style: chrX-154532258-G-A. GRCh37 (hg19) VCF-style: chrX-153760473-G-A.
Other names: G6PD Kamiube; G6PD Keelung; c.1477C>T, p.Arg493Cys (NM_000402.4); c.1387C>T, p.Arg463Cys (NM_001042351.3); short protein forms R463C, R493C.
Identifiers: ClinVar variation 1722638 (VCV001722638.6), dbSNP rs1557229502, ClinGen allele CA415232603.